The following is an entry in ClinVar:

ClinVar aggregate classification (germline): Pathogenic/Likely pathogenic. Review status: criteria provided, multiple submitters, no conflicts (2 of 4 stars). 7 submissions from 7 submitters: Pathogenic (3); Likely pathogenic (2). 2 of the submissions do not count toward it. Last evaluated 2026-06-05.

Conditions:
Fanconi anemia complementation group A (FANCA). Also called: Fanconi anemia, group A; FANCA-Related Fanconi Anemia. Identifiers: Orphanet 84, MedGen C3469521, MONDO:0009215, OMIM 227650.
Fanconi anemia (FA). Also called: Fanconi's anemia. Identifiers: Orphanet 84, MedGen C0015625, MeSH D005199, MONDO:0019391.

Allele frequency attached by ClinVar (database versions not stated): gnomAD exomes below 0.00001; TOPMed below 0.00001; gnomAD 0.00001.
gnomAD v4.1: 7 of 1,613,808 alleles (0.00043%); highest among the groups gnomAD compares: Non-Finnish European, 0.00059%; no homozygotes.

Submissions (7):

Women's Health and Genetics/Laboratory Corporation of America, LabCorp
Classification: Pathogenic for Fanconi anemia. Last evaluated: 2026-06-05. Review status: criteria provided, single submitter. Criteria: LabCorp Variant Classification Summary - May 2015. Collection method: clinical testing. Allele origin: germline.
Comment: Variant summary: FANCA c.2026C>T (p.Gln676X) results in a premature termination codon, predicted to cause a truncation of the encoded protein or absence of the protein due to nonsense mediated decay, which are commonly known mechanisms for disease. The variant allele was found at a frequency of 4e-06 in 251474 control chromosomes (gnomAD). c.2026C>T has been observed in at least one individual affected with Fanconi Anemia (Levran_2005). To our knowledge, no experimental evidence demonstrating an impact on protein function has been reported. The following publication have been ascertained in the context of this evaluation (PMID: 15643609). ClinVar contains an entry for this variant (Variation ID: 558070). Based on the evidence outlined above, the variant was classified as pathogenic.

Fulgent Genetics
Classification: Likely pathogenic for Fanconi anemia complementation group A. Last evaluated: 2024-03-20. Review status: criteria provided, single submitter. Criteria: ACMG Guidelines, 2015. Collection method: clinical testing. Allele origin: germline.

Baylor Genetics
Classification: Pathogenic for Fanconi anemia complementation group A. Last evaluated: 2024-01-22. Review status: criteria provided, single submitter. Criteria: ACMG Guidelines, 2015. Collection method: clinical testing. Allele origin: unknown.

Labcorp Genetics (formerly Invitae), Labcorp
Classification: Pathogenic for Fanconi anemia. Last evaluated: 2021-08-04. Review status: criteria provided, single submitter. Criteria: Invitae Variant Classification Sherloc (09022015). Collection method: clinical testing. Allele origin: germline.
Comment: For these reasons, this variant has been classified as Pathogenic. This sequence change creates a premature translational stop signal (p.Gln676*) in the FANCA gene. It is expected to result in an absent or disrupted protein product. Loss-of-function variants in FANCA are known to be pathogenic (PMID: 19367192). This variant is not present in population databases (ExAC no frequency). This variant has been observed in individual(s) with Fanconi anemia (PMID: 15643609). ClinVar contains an entry for this variant (Variation ID: 558070).

Juno Genomics, Hangzhou Juno Genomics, Inc
Classification: Likely pathogenic for Fanconi anemia complementation group A. Review status: criteria provided, single submitter. Criteria: ACMG Guidelines, 2015. Collection method: clinical testing. Allele origin: germline.
Comment: Null variant in a gene where loss of function (LOF) is a known mechanism of disease.;Absent from controls (or at extremely low frequency if recessive) in Genome Aggregation Database.

Leiden Open Variation Database
Classification: Pathogenic for Fanconi anemia complementation group A. Last evaluated: 2020-02-28. Review status: no assertion criteria provided. Collection method: curation. Allele origin: germline. Affected: yes. Not counted in ClinVar's aggregate classification.
Comment: Curator: Arleen D. Auerbach. Submitter to LOVD: Arleen D. Auerbach.

Counsyl
Classification: Likely pathogenic for Fanconi anemia complementation group A. Last evaluated: 2018-04-26. Review status: no assertion criteria provided. Collection method: clinical testing. Allele origin: unknown. Not counted in ClinVar's aggregate classification.

Literature cited by the submitters: PubMed 15643609 (cited by 3 submitters); PubMed 19367192 (cited by Labcorp Genetics (formerly Invitae), Labcorp); PubMed 25525159 (cited by Counsyl).

NM_000135.4(FANCA):c.2026C>T (p.Gln676Ter)

Gene: FANCA (FA complementation group A; minus strand). Cytogenetic location: 16q24.3.
Variant type: single nucleotide variant.
Coding change: c.2026C>T on transcript NM_000135.4 (MANE Select); coding-DNA position 2026, C replaced by T.
Protein change: p.Gln676Ter; replaces glutamine 676 with a stop codon.
Molecular consequence: nonsense.
Genome position (GRCh38, 1-based): chr16:89,771,803, G>A on the plus strand (C>T on the coding strand, the complement: FANCA is on the minus strand). VCF-style: chr16-89771803-G-A. GRCh37 (hg19) VCF-style: chr16-89838211-G-A.
Other names: c.2026C>T (LRG_495t1); c.2026C>T, p.Gln676Ter (NM_001286167.3); short protein forms Q676*.
Identifiers: ClinVar variation 558070 (VCV000558070.19), dbSNP rs1448463647, ClinGen allele CA397448720.
Genomic context (GRCh38, chr16:89,771,803, plus strand): 5'-TGCTGTCATCCTCATTGTGGCCCAGGACAGCCCTCAGTCTTTCAGAAATCACTGCCACCT[G>A]TGCCGATATAACTGCGAAGGAAGAAACTAGTTAGGGATGACAAGAACCCCGAAAGGAGGG-3'